The following is an entry in ClinVar:

ClinVar aggregate classification (germline): Uncertain significance. Review status: criteria provided, multiple submitters, no conflicts (2 of 4 stars). 2 submissions from 2 submitters: Uncertain significance (2). Last evaluated 2024-10-29.

Conditions:
Emery-Dreifuss muscular dystrophy 5, autosomal dominant (EDMD5). Also called: EMERY-DREIFUSS MUSCULAR DYSTROPHY 5. Identifiers: Orphanet 261, MedGen C2751805, MONDO:0013072, OMIM 612999.

Allele frequency attached by ClinVar (database versions not stated): ExAC 0.00001; gnomAD 0.00001; TOPMed 0.00001.
gnomAD v4.1: 20 of 1,613,724 alleles (0.0012%); highest among the groups gnomAD compares: Non-Finnish European, 0.0017%; no homozygotes.

Submissions (2):

Ambry Genetics
Classification: Uncertain significance. Last evaluated: 2024-10-29. Review status: criteria provided, single submitter. Criteria: Ambry Variant Classification Scheme 2023. Collection method: clinical testing. Allele origin: germline.

Labcorp Genetics (formerly Invitae), Labcorp
Classification: Uncertain significance for Emery-Dreifuss muscular dystrophy 5, autosomal dominant. Last evaluated: 2022-05-20. Review status: criteria provided, single submitter. Criteria: Invitae Variant Classification Sherloc (09022015). Collection method: clinical testing. Allele origin: germline.
Comment: This variant has not been reported in the literature in individuals affected with SYNE2-related conditions. In summary, the available evidence is currently insufficient to determine the role of this variant in disease. Therefore, it has been classified as a Variant of Uncertain Significance. Algorithms developed to predict the effect of missense changes on protein structure and function are either unavailable or do not agree on the potential impact of this missense change (SIFT: "Deleterious"; PolyPhen-2: "Probably Damaging"; Align-GVGD: "Class C0"). This variant is present in population databases (rs771438833, gnomAD 0.002%). This sequence change replaces isoleucine, which is neutral and non-polar, with methionine, which is neutral and non-polar, at codon 248 of the SYNE2 protein (p.Ile248Met).

NM_182914.3(SYNE2):c.744T>G (p.Ile248Met)

Gene: SYNE2 (spectrin repeat containing nuclear envelope protein 2; plus strand). Cytogenetic location: 14q23.2.
Variant type: single nucleotide variant.
Coding change: c.744T>G on transcript NM_182914.3 (MANE Select); coding-DNA position 744, T replaced by G.
Protein change: p.Ile248Met; replaces isoleucine 248 with methionine.
Molecular consequence: missense variant.
Genome position (GRCh38, 1-based): chr14:63,954,872, T>G. VCF-style: chr14-63954872-T-G. GRCh37 (hg19) VCF-style: chr14-64421590-T-G.
Other names: c.744T>G, p.Ile248Met (NM_015180.6); c.744T>G (NM_182914.2); short protein forms I248M.
Identifiers: ClinVar variation 2146854 (VCV002146854.5), dbSNP rs771438833, ClinGen allele CA7219193.